The following is an entry in ClinVar:

ClinVar aggregate classification (germline): Uncertain significance (1 of 4 stars; one submission).

Conditions:
Long QT syndrome (LQTS). Identifiers: MedGen C0023976, MeSH D008133, MONDO:0002442. Disease mechanism: loss of function. Inheritance: Various modes of inheritance.

gnomAD v4.1: 4 of 1,614,038 alleles (0.00025%); highest among the groups gnomAD compares: Admixed American, 0.005%; no homozygotes.

Submission:

Labcorp Genetics (formerly Invitae), Labcorp
Classification: Uncertain significance for Long QT syndrome. Last evaluated: 2026-01-09. Review status: criteria provided, single submitter. Criteria: Invitae Variant Classification Sherloc (09022015). Collection method: clinical testing. Allele origin: germline.
Comment: This sequence change replaces glutamine, which is neutral and polar, with proline, which is neutral and non-polar, at codon 2934 of the ANK2 protein (p.Gln2934Pro). This variant is present in population databases (no rsID available, gnomAD 0.003%). This variant has not been reported in the literature in individuals affected with ANK2-related conditions. An algorithm developed to predict the effect of missense changes on protein structure and function outputs the following: PolyPhen-2: "Benign". The proline amino acid residue is found in multiple mammalian species, which suggests that this missense change does not adversely affect protein function. In summary, the available evidence is currently insufficient to determine the role of this variant in disease. Therefore, it has been classified as a Variant of Uncertain Significance.

NM_001148.6(ANK2):c.8801A>C (p.Gln2934Pro)

Gene: ANK2 (ankyrin 2; plus strand). Cytogenetic location: 4q26.
Variant type: single nucleotide variant.
Coding change: c.8801A>C on transcript NM_001148.6 (MANE Select); coding-DNA position 8801, A replaced by C.
Protein change: p.Gln2934Pro; replaces glutamine 2934 with proline.
Molecular consequence: missense variant. On other transcripts: intron variant (68).
Genome position (GRCh38, 1-based): chr4:113,357,419, A>C. VCF-style: chr4-113357419-A-C. GRCh37 (hg19) VCF-style: chr4-114278575-A-C.
Other names: c.8567A>C, p.Gln2856Pro (NM_001386142.1); c.5201A>C, p.Gln1734Pro (NM_001386166.1); c.8942A>C, p.Gln2981Pro (NM_001386174.1); c.8918A>C, p.Gln2973Pro (NM_001386175.1); c.4412-3404A>C (NM_001386186.2, NM_001386148.2); c.4214-3404A>C (NM_001354269.3); c.4292-3404A>C (NM_001386187.2); c.4253-3404A>C (NM_001386147.1); and 35 more; short protein forms Q1734P, Q2856P, Q2934P, Q2973P, Q2981P.
Identifiers: ClinVar variation 4803940 (VCV004803940.1).